The following is an entry in ClinVar:

NM_015215.4(CAMTA1):c.1693G>A (p.Gly565Ser)

Gene: CAMTA1 (calmodulin binding transcription activator 1; plus strand). Cytogenetic location: 1p36.23.
Variant type: single nucleotide variant.
Coding change: c.1693G>A on transcript NM_015215.4 (MANE Select); coding-DNA position 1693, G replaced by A.
Protein change: p.Gly565Ser; replaces glycine 565 with serine.
Molecular consequence: missense variant.
Genome position (GRCh38, 1-based): chr1:7,664,240, G>A. VCF-style: chr1-7664240-G-A. GRCh37 (hg19) VCF-style: chr1-7724300-G-A.
Other names: c.1603G>A, p.Gly535Ser (NM_001349608.2, NM_001349612.2); c.1693G>A, p.Gly565Ser (NM_001349609.2, NM_001349610.2, NM_001410737.1); c.1621G>A, p.Gly541Ser (NM_001410738.1); short protein forms G535S, G541S, G565S.
Identifiers: ClinVar variation 3136899 (VCV003136899.19), dbSNP rs143700608, ClinGen allele CA566493.

ClinVar aggregate classification (germline): Conflicting classifications of pathogenicity. Review status: criteria provided, conflicting classifications (1 of 4 stars). 3 submissions from 3 submitters: Uncertain significance (1); Likely benign (2). Last evaluated 2025-02-19.

Conditions:
Inborn genetic diseases. Identifiers: MedGen C0950123, MeSH D030342.

Allele frequency attached by ClinVar (database versions not stated): ExAC 0.00010; 1000 Genomes Project 30x 0.00016; 1000 Genomes Project 0.00020; ESP Exome Variant Server 0.00040.
gnomAD v4.1: 126 of 1,612,648 alleles (0.0078%); highest among the groups gnomAD compares: African/African-American, 0.045%; no homozygotes.

Submissions (3):

Labcorp Genetics (formerly Invitae), Labcorp
Classification: Uncertain significance. Last evaluated: 2025-02-19. Review status: criteria provided, single submitter. Criteria: Invitae Variant Classification Sherloc (09022015). Collection method: clinical testing. Allele origin: germline.
Comment: This sequence change replaces glycine, which is neutral and non-polar, with serine, which is neutral and polar, at codon 565 of the CAMTA1 protein (p.Gly565Ser). This variant is present in population databases (rs143700608, gnomAD 0.05%), and has an allele count higher than expected for a pathogenic variant. This variant has not been reported in the literature in individuals affected with CAMTA1-related conditions. ClinVar contains an entry for this variant (Variation ID: 3136899). Invitae Evidence Modeling of protein sequence and biophysical properties (such as structural, functional, and spatial information, amino acid conservation, physicochemical variation, residue mobility, and thermodynamic stability) indicates that this missense variant is not expected to disrupt CAMTA1 protein function with a negative predictive value of 80%. In summary, the available evidence is currently insufficient to determine the role of this variant in disease. Therefore, it has been classified as a Variant of Uncertain Significance.

CeGaT Center for Human Genetics Tuebingen
Classification: Likely benign. Last evaluated: 2024-07-01. Review status: criteria provided, single submitter. Criteria: CeGaT Center For Human Genetics Tuebingen Variant Classification Criteria Version 2. Collection method: clinical testing. Allele origin: germline. Affected: yes. Observed: 1 variant allele.
Comment: CAMTA1: BS1:Supporting

Ambry Genetics
Classification: Likely benign for Inborn genetic diseases. Last evaluated: 2024-01-03. Review status: criteria provided, single submitter. Criteria: Ambry Variant Classification Scheme 2023. Collection method: clinical testing. Allele origin: germline.